The following is an entry in ClinVar:

ClinVar aggregate classification (germline): Uncertain significance (1 of 4 stars; one submission).

Conditions:
Pretibial dystrophic epidermolysis bullosa. Also called: Pretibial blistering; EPIDERMOLYSIS BULLOSA DYSTROPHICA, PRETIBIAL; Pretibial epidermolysis bullosa. Identifiers: Orphanet 79410, MedGen C0432321, MONDO:0007552, OMIM 131850, HP:0012221.
Dominant dystrophic epidermolysis bullosa with absence of skin. Also called: EPIDERMOLYSIS BULLOSA WITH CONGENITAL LOCALIZED ABSENCE OF SKIN AND DEFORMITY OF NAILS; EPIDERMOLYSIS BULLOSA DYSTROPHICA, BART TYPE. Identifiers: MedGen C0268371, MONDO:0007557, OMIM 132000.
Epidermolysis bullosa pruriginosa. Also called: DEB, PRURIGINOSA; DYSTROPHIC EPIDERMOLYSIS BULLOSA PRURIGINOSA. Identifiers: Orphanet 89843, MedGen C1275114, MONDO:0011398, OMIM 604129.
Transient bullous dermolysis of the newborn (TBDN). Also called: DYSTROPHIC EPIDERMOLYSIS BULLOSA, NEONATAL; EPIDERMOLYSIS BULLOSA DYSTROPHICA, NEONATAL FORM. Identifiers: Orphanet 79411, MedGen C1851573, MONDO:0007548, OMIM 131705.
Recessive dystrophic epidermolysis bullosa (RDEB). Also called: epidermolysis bullosa dystrophica, autosomal recessive; EPIDERMOLYSIS BULLOSA DYSTROPHICA, GENERALIZED SEVERE, AUTOSOMAL RECESSIVE; severe generalized recessive dystrophic epidermolysis bullosa; Epidermolysis Bullosa Distrophica Autosomal Recessive (RDEB); Recessive DEB (RDEB); DYSTROPHIC EPIDERMOLYSIS BULLOSA, AUTOSOMAL RECESSIVE. Identifiers: Orphanet 79408, Orphanet 79409, MedGen C0079474, MONDO:0009179, OMIM 226600.
Generalized dominant dystrophic epidermolysis bullosa (DDEB). Also called: DDEB, generalized; DDEB-gen; DYSTROPHIC EPIDERMOLYSIS BULLOSA, AUTOSOMAL DOMINANT; Epidermolysis bullosa dystrophica, autosomal dominant; Dominant DEB (DDEB). Identifiers: Orphanet 231568, MedGen C0432322, MONDO:0007549, OMIM 131750.
Nonsyndromic congenital nail disorder 8. Also called: TOENAIL DYSTROPHY, ISOLATED. Identifiers: MedGen C1843761, MONDO:0011852, OMIM 607523.

Submission:

Juno Genomics, Hangzhou Juno Genomics, Inc
Classification: Uncertain significance for Transient bullous dermolysis of the newborn; Recessive dystrophic epidermolysis bullosa; Generalized dominant dystrophic epidermolysis bullosa; Dominant dystrophic epidermolysis bullosa with absence of skin; Nonsyndromic congenital nail disorder 8; Epidermolysis bullosa pruriginosa; Pretibial dystrophic epidermolysis bullosa. Review status: criteria provided, single submitter. Criteria: ACMG Guidelines, 2015. Collection method: clinical testing. Allele origin: germline.
Comment: Absent from controls (or at extremely low frequency if recessive) in Genome Aggregation Database.;Missense variant in a gene that has a low rate of benign missense variation.;Multiple lines of computational evidence support a deleterious effect on the gene or gene product.

NM_000094.4(COL7A1):c.4697G>T (p.Gly1566Val)

Gene: COL7A1 (collagen type VII alpha 1 chain; minus strand). Cytogenetic location: 3p21.31.
Variant type: single nucleotide variant.
Coding change: c.4697G>T on transcript NM_000094.4 (MANE Select); coding-DNA position 4697, G replaced by T.
Protein change: p.Gly1566Val; replaces glycine 1566 with valine.
Molecular consequence: missense variant.
Genome position (GRCh38, 1-based): chr3:48,581,731, C>A on the plus strand (G>T on the coding strand, the complement: COL7A1 is on the minus strand). VCF-style: chr3-48581731-C-A. GRCh37 (hg19) VCF-style: chr3-48619164-C-A.
Other names: short protein forms G1566V.
Identifiers: ClinVar variation 5018784 (VCV005018784.2).